The following is an entry in ClinVar:

NM_020745.4(AARS2):c.46A>G (p.Ile16Val)

Gene: AARS2 (alanyl-tRNA synthetase 2, mitochondrial; minus strand). Cytogenetic location: 6p21.1.
Variant type: single nucleotide variant.
Coding change: c.46A>G on transcript NM_020745.4 (MANE Select); coding-DNA position 46, A replaced by G.
Protein change: p.Ile16Val; replaces isoleucine 16 with valine.
Molecular consequence: missense variant.
Genome position (GRCh38, 1-based): chr6:44,313,278, T>C on the plus strand (A>G on the coding strand, the complement: AARS2 is on the minus strand). VCF-style: chr6-44313278-T-C. GRCh37 (hg19) VCF-style: chr6-44281015-T-C.
Other names: short protein forms I16V.
Identifiers: ClinVar variation 2070235 (VCV002070235.7), dbSNP rs749688690, ClinGen allele CA3834753.

ClinVar aggregate classification (germline): Conflicting classifications of pathogenicity. Review status: criteria provided, conflicting classifications (1 of 4 stars). 3 submissions from 3 submitters: Uncertain significance (1); Likely benign (2). Last evaluated 2026-01-19.

Allele frequency attached by ClinVar (database versions not stated): TOPMed 0.00006; gnomAD exomes 0.00007; ExAC 0.00011.

Submissions (3):

Labcorp Genetics (formerly Invitae), Labcorp
Classification: Likely benign. Last evaluated: 2026-01-19. Review status: criteria provided, single submitter. Criteria: Invitae Variant Classification Sherloc (09022015). Collection method: clinical testing. Allele origin: germline.

Dasa
Classification: Uncertain significance. Last evaluated: 2025-09-03. Review status: criteria provided, single submitter. Criteria: DASA Assertion Criteria. Collection method: clinical testing. Allele origin: germline.
Comment: NM_020745.4(AARS2):c.46A>G (p.Ile16Val) is a missense variant that results in the substitution of isoleucine with valine. This variant is rare in population databases. Computational prediction algorithms are consistent with a benign effect. The currently available literature and clinical evidence are not sufficient to establish a definitive association between this variant and the reported condition. Therefore, this variant is classified as a variant of uncertain significance.

Blueprint Genetics
Classification: Likely benign. Last evaluated: 2024-08-13. Review status: criteria provided, single submitter. Criteria: ACMG Guidelines, 2015. Collection method: clinical testing. Allele origin: germline.